The following is an entry in ClinVar:

NM_006231.4(POLE):c.4800_4801delinsAT (p.Pro1601Ser)

Gene: POLE (DNA polymerase epsilon, catalytic subunit; minus strand). Cytogenetic location: 12q24.33.
Variant type: Indel.
Coding change: c.4800_4801delinsAT on transcript NM_006231.4 (MANE Select); coding-DNA positions 4800 to 4801, TC replaced by AT.
Protein change: p.Pro1601Ser; replaces proline 1601 with serine.
Molecular consequence: missense variant.
Genome position (GRCh38, 1-based): chr12:132,642,657-132,642,658, GA replaced by AT on the plus strand (TC replaced by AT on the coding strand, the reverse complement: POLE is on the minus strand). VCF-style: chr12-132642657-GA-AT. GRCh37 (hg19) VCF-style: chr12-133219243-GA-AT.
Other names: c.4800_4801delTCinsAT (NM_006231.2); short protein forms P1601S.
Identifiers: ClinVar variation 2910992 (VCV002910992.4), dbSNP rs2541886144, ClinGen allele CA2739277453.

ClinVar aggregate classification (germline): Uncertain significance. Review status: criteria provided, multiple submitters, no conflicts (2 of 4 stars). 2 submissions from 2 submitters: Uncertain significance (2). Last evaluated 2025-09-03.

Conditions:
Hereditary cancer-predisposing syndrome. Also called: Hereditary Cancer Syndrome; Tumor predisposition; Hereditary neoplastic syndrome; Neoplastic Syndromes, Hereditary. Identifiers: Orphanet 140162, MedGen C0027672, MeSH D009386, MONDO:0015356.

Submissions (2):

Ambry Genetics
Classification: Uncertain significance for Hereditary cancer-predisposing syndrome. Last evaluated: 2025-09-03. Review status: criteria provided, single submitter. Criteria: Ambry Variant Classification Scheme 2023. Collection method: clinical testing. Allele origin: germline.
Comment: The c.4800_4801delTCinsAT variant (also known as p.P1601S), located in coding exon 37 of the POLE gene, results from an in-frame deletion of TC and insertion of AT at nucleotide positions 4800 to 4801. This results in the substitution of the proline residue for a serine residue at codon 1601, an amino acid with similar properties. In addition, this alteration is predicted to be tolerated by in silico analysis. Based on the available evidence, the clinical significance of this variant remains unclear.

Labcorp Genetics (formerly Invitae), Labcorp
Classification: Uncertain significance. Last evaluated: 2024-01-21. Review status: criteria provided, single submitter. Criteria: Invitae Variant Classification Sherloc (09022015). Collection method: clinical testing. Allele origin: germline.
Comment: This variant, c.4800_4801delinsAT, is a complex sequence change that results in the deletion of 1 and insertion of 1 amino acid(s) in the POLE protein (p.Pro1601Ser). Information on the frequency of this variant in the gnomAD database is not available, as this variant may be reported differently in the database. This variant has not been reported in the literature in individuals affected with POLE-related conditions. Experimental studies and prediction algorithms are not available or were not evaluated, and the functional significance of this variant is currently unknown. In summary, the available evidence is currently insufficient to determine the role of this variant in disease. Therefore, it has been classified as a Variant of Uncertain Significance.